The following is an entry in ClinVar:

NM_016239.4(MYO15A):c.7550C>G (p.Thr2517Ser)

Gene: MYO15A (myosin XVA; plus strand). Cytogenetic location: 17p11.2.
Variant type: single nucleotide variant.
Coding change: c.7550C>G on transcript NM_016239.4 (MANE Select); coding-DNA position 7550, C replaced by G.
Protein change: p.Thr2517Ser; replaces threonine 2517 with serine.
Molecular consequence: missense variant.
Genome position (GRCh38, 1-based): chr17:18,151,186, C>G. VCF-style: chr17-18151186-C-G. GRCh37 (hg19) VCF-style: chr17-18054500-C-G.
Other names: short protein forms T2517S.
Identifiers: ClinVar variation 322163 (VCV000322163.16), dbSNP rs201119351, ClinGen allele CA8424881.

ClinVar aggregate classification (germline): Conflicting classifications of pathogenicity. Review status: criteria provided, conflicting classifications (1 of 4 stars). 5 submissions from 5 submitters: Pathogenic (1); Uncertain significance (2); Likely benign (2). Last evaluated 2025-07-27.

Conditions:
Autosomal recessive nonsyndromic hearing loss 3. Also called: NEUROSENSORY NONSYNDROMIC RECESSIVE DEAFNESS 3. Identifiers: Orphanet 90636, MedGen C1838263, MONDO:0010860, OMIM 600316.

Allele frequency attached by ClinVar (database versions not stated): TOPMed 0.00006.
gnomAD v4.1: 141 of 1,614,124 alleles (0.0087%); highest among the groups gnomAD compares: Middle Eastern, 0.15%; 2 homozygotes.

Submissions (5):

Labcorp Genetics (formerly Invitae), Labcorp
Classification: Likely benign. Last evaluated: 2025-07-27. Review status: criteria provided, single submitter. Criteria: Invitae Variant Classification Sherloc (09022015). Collection method: clinical testing. Allele origin: germline.

Blueprint Genetics
Classification: Uncertain significance. Last evaluated: 2024-11-08. Review status: criteria provided, single submitter. Criteria: ACMG Guidelines, 2015. Collection method: clinical testing. Allele origin: germline.

Laboratory of Prof. Karen Avraham, Tel Aviv University
Classification: Pathogenic for Autosomal recessive nonsyndromic hearing loss 3. Last evaluated: 2024-08-20. Review status: criteria provided, single submitter. Criteria: ACMG Guidelines, 2015. Collection method: research. Allele origin: germline. Affected: yes. Observed: 1 variant allele.
Comment: A recessive variant, pathogenic by Deafness Variation Database based on PMID: 26969326.

DFNB3

GeneDx
Classification: Likely benign. Last evaluated: 2020-06-24. Review status: criteria provided, single submitter. Criteria: GeneDx Variant Classification Process June 2021. Collection method: clinical testing. Allele origin: germline. Affected: yes.
Comment: This variant is associated with the following publications: (PMID: 26969326)

Illumina Laboratory Services, Illumina
Classification: Uncertain significance for Autosomal recessive nonsyndromic hearing loss 3. Last evaluated: 2018-01-12. Review status: criteria provided, single submitter. Criteria: ICSL Variant Classification Criteria 13 December 2019. Collection method: clinical testing. Allele origin: germline.